The following is an entry in ClinVar:

ClinVar aggregate classification (germline): Uncertain significance (1 of 4 stars; one submission).

Allele frequency attached by ClinVar (database versions not stated): gnomAD exomes below 0.00001; ExAC 0.00001; TOPMed 0.00001; gnomAD 0.00002.
gnomAD v4.1: 5 of 1,614,104 alleles (0.00031%); highest among the groups gnomAD compares: East Asian, 0.0045%; no homozygotes.

Submission:

Labcorp Genetics (formerly Invitae), Labcorp
Classification: Uncertain significance. Last evaluated: 2022-10-13. Review status: criteria provided, single submitter. Criteria: Invitae Variant Classification Sherloc (09022015). Collection method: clinical testing. Allele origin: germline.
Comment: In summary, the available evidence is currently insufficient to determine the role of this variant in disease. Therefore, it has been classified as a Variant of Uncertain Significance. Advanced modeling of protein sequence and biophysical properties (such as structural, functional, and spatial information, amino acid conservation, physicochemical variation, residue mobility, and thermodynamic stability) has been performed at Invitae for this missense variant, however the output from this modeling did not meet the statistical confidence thresholds required to predict the impact of this variant on SPTA1 protein function. This variant has not been reported in the literature in individuals affected with SPTA1-related conditions. This variant is present in population databases (rs191322728, gnomAD 0.005%). This sequence change replaces asparagine, which is neutral and polar, with lysine, which is basic and polar, at codon 2076 of the SPTA1 protein (p.Asn2076Lys).

NM_003126.4(SPTA1):c.6228T>A (p.Asn2076Lys)

Gene: SPTA1 (spectrin alpha, erythrocytic 1; minus strand). Cytogenetic location: 1q23.1.
Variant type: single nucleotide variant.
Coding change: c.6228T>A on transcript NM_003126.4 (MANE Select); coding-DNA position 6228, T replaced by A.
Protein change: p.Asn2076Lys; replaces asparagine 2076 with lysine.
Molecular consequence: missense variant.
Genome position (GRCh38, 1-based): chr1:158,620,359, A>T on the plus strand (T>A on the coding strand, the complement: SPTA1 is on the minus strand). VCF-style: chr1-158620359-A-T. GRCh37 (hg19) VCF-style: chr1-158590149-A-T.
Other names: short protein forms N2076K.
Identifiers: ClinVar variation 1943690 (VCV001943690.5), dbSNP rs191322728, ClinGen allele CA1182043.
Genomic context (GRCh38, chr1:158,620,359, plus strand): 5'-TTGAGCCCTAGCCAGGGAGGCCAAGAAGTCCTCATGGTCTTTCTGCAGCTGCCGAATTTC[A>T]TTCAGGGAGACACAGTGCACAGGCTCTGACAAGTTTTCTTCCATCTTTTCACACCAGTTG-3'
Protein context (NP_003117.2, residues 2066-2086): LSEPVHCVSL[Asn2076Lys]EIRQLQKDHE